The following is an entry in ClinVar:

NM_012210.4(TRIM32):c.1930A>G (p.Ser644Gly)

Genes: ASTN2 (astrotactin 2; minus strand), TRIM32 (tripartite motif containing 32; plus strand). Cytogenetic location: 9q33.1.
Variant type: single nucleotide variant.
Coding change: c.1930A>G on transcript NM_012210.4 (MANE Select); coding-DNA position 1930, A replaced by G.
Protein change: p.Ser644Gly; replaces serine 644 with glycine.
Molecular consequence: missense variant. On other transcripts: intron variant (3).
Genome position (GRCh38, 1-based): chr9:116,699,672, A>G. VCF-style: chr9-116699672-A-G. GRCh37 (hg19) VCF-style: chr9-119461951-A-G.
Other names: c.1930A>G, p.Ser644Gly (NM_001099679.2, NM_001379048.1, NM_001379049.1 and 1 more transcripts); c.2653+26099T>C (NM_014010.5); c.2794+26099T>C (NM_001365069.1); c.2806+26099T>C (NM_001365068.1); short protein forms S644G.
Identifiers: ClinVar variation 450273 (VCV000450273.15), dbSNP rs1462453134, ClinGen allele CA374652748.

ClinVar aggregate classification (germline): Uncertain significance. Review status: criteria provided, multiple submitters, no conflicts (2 of 4 stars). 6 submissions from 6 submitters: Uncertain significance (5). 1 of the submissions does not count toward it. Last evaluated 2024-10-25.

Conditions:
TRIM32-related disorder. Also called: TRIM32-related condition.
Inborn genetic diseases. Identifiers: MedGen C0950123, MeSH D030342.
Bardet-Biedl syndrome (BBS). Identifiers: Orphanet 110, MedGen C0752166, MONDO:0015229.

Allele frequency attached by ClinVar (database versions not stated): TOPMed 0.00002; gnomAD 0.00003.
gnomAD v4.1: 18 of 1,614,048 alleles (0.0011%); highest among the groups gnomAD compares: Middle Eastern, 0.016%; no homozygotes.

Submissions (6):

Labcorp Genetics (formerly Invitae), Labcorp
Classification: Uncertain significance for Bardet-Biedl syndrome. Last evaluated: 2024-10-25. Review status: criteria provided, single submitter. Criteria: Invitae Variant Classification Sherloc (09022015). Collection method: clinical testing. Allele origin: germline.
Comment: This sequence change replaces serine, which is neutral and polar, with glycine, which is neutral and non-polar, at codon 644 of the TRIM32 protein (p.Ser644Gly). This variant is present in population databases (no rsID available, gnomAD 0.002%). This variant has not been reported in the literature in individuals affected with TRIM32-related conditions. ClinVar contains an entry for this variant (Variation ID: 450273). An algorithm developed to predict the effect of missense changes on protein structure and function (PolyPhen-2) suggests that this variant¬†is likely to be tolerated. In summary, the available evidence is currently insufficient to determine the role of this variant in disease. Therefore, it has been classified as a Variant of Uncertain Significance.

Ambry Genetics
Classification: Uncertain significance for Inborn genetic diseases. Last evaluated: 2023-02-22. Review status: criteria provided, single submitter. Criteria: Ambry Variant Classification Scheme 2023. Collection method: clinical testing. Allele origin: germline.

Blueprint Genetics
Classification: Uncertain significance. Last evaluated: 2022-04-27. Review status: criteria provided, single submitter. Criteria: ACMG Guidelines, 2015. Collection method: clinical testing. Allele origin: germline.

Eurofins Ntd Llc (ga)
Classification: Uncertain significance. Last evaluated: 2018-05-02. Review status: criteria provided, single submitter. Criteria: EGL ClinVar v180209 classification definitions. Collection method: clinical testing. Allele origin: germline. Observed: 1 variant allele, 1 heterozygote.

GeneDx
Classification: Uncertain significance. Last evaluated: 2017-07-18. Review status: criteria provided, single submitter. Criteria: GeneDx Variant Classification (06012015). Collection method: clinical testing. Allele origin: germline. Affected: yes.
Comment: The S644G variant in the TRIM32 gene has not been reported previously as a pathogenic variant, nor as a benign variant, to our knowledge. The S644G variant is not observed in large population cohorts (Lek et al., 2016; 1000 Genomes Consortium et al., 2015; Exome Variant Server). The S644G variant is a non-conservative amino acid substitution, which is likely to impact secondary protein structure as these residues differ in polarity, charge, size and/or other properties. This substitution occurs at a position where amino acids with similar properties to Serine are tolerated across species. In silico analysis is inconsistent in its predictions as to whether or not the variant is damaging to the protein structure/function. We interpret S644G as a variant of uncertain significance.

PreventionGenetics, part of Exact Sciences
Classification: Uncertain significance for TRIM32-related condition. Last evaluated: 2024-07-08. Review status: no assertion criteria provided. Collection method: clinical testing. Allele origin: germline. Not counted in ClinVar's aggregate classification.
Comment: The TRIM32 c.1930A>G variant is predicted to result in the amino acid substitution p.Ser644Gly. To our knowledge, this variant has not been reported in the literature. This variant is reported in 0.0023% of alleles in individuals of European (Non-Finnish) descent in gnomAD. At this time, the clinical significance of this variant is uncertain due to the absence of conclusive functional and genetic evidence.